The following is an entry in ClinVar:

NM_000400.4(ERCC2):c.970C>T (p.Arg324Cys)

Gene: ERCC2 (ERCC excision repair 2, TFIIH core complex helicase subunit; minus strand). Cytogenetic location: 19q13.32.
Variant type: single nucleotide variant.
Coding change: c.970C>T on transcript NM_000400.4 (MANE Select); coding-DNA position 970, C replaced by T.
Protein change: p.Arg324Cys; replaces arginine 324 with cysteine.
Molecular consequence: missense variant.
Genome position (GRCh38, 1-based): chr19:45,363,891, G>A on the plus strand (C>T on the coding strand, the complement: ERCC2 is on the minus strand). VCF-style: chr19-45363891-G-A. GRCh37 (hg19) VCF-style: chr19-45867149-G-A.
Other names: c.898C>T, p.Arg300Cys (NM_001130867.2); short protein forms R300C, R324C.
Identifiers: ClinVar variation 2447127 (VCV002447127.2), dbSNP rs1322620921, ClinGen allele CA406373079.

ClinVar aggregate classification (germline): Uncertain significance (1 of 4 stars; one submission).

Conditions:
Inborn genetic diseases. Identifiers: MedGen C0950123, MeSH D030342.

Allele frequency attached by ClinVar (database versions not stated): gnomAD exomes below 0.00001; gnomAD 0.00001.
gnomAD v4.1: 5 of 1,549,046 alleles (0.00032%); highest among the groups gnomAD compares: South Asian, 0.0012%; no homozygotes.

Submission:

Ambry Genetics
Classification: Uncertain significance for Inborn genetic diseases. Last evaluated: 2022-12-23. Review status: criteria provided, single submitter. Criteria: Ambry Variant Classification Scheme 2023. Collection method: clinical testing. Allele origin: germline.
Comment: The p.R324C variant (also known as c.970C>T), located in coding exon 11 of the ERCC2 gene, results from a C to T substitution at nucleotide position 970. The arginine at codon 324 is replaced by cysteine, an amino acid with highly dissimilar properties. This amino acid position is conserved. In addition, this alteration is predicted to be deleterious by in silico analysis. Since supporting evidence is limited at this time, the clinical significance of this alteration remains unclear.